The following is an entry in ClinVar:

ClinVar aggregate classification (germline): Likely pathogenic (1 of 4 stars; one submission).

Conditions:
Bardet-Biedl syndrome 2 (BBS2). Identifiers: Orphanet 110, MedGen C2936863, MONDO:0014432, OMIM 615981.

Submission:

Myriad Genetics, Inc.
Classification: Likely pathogenic for Bardet-Biedl syndrome 2. Last evaluated: 2020-02-05. Review status: criteria provided, single submitter. Criteria: Myriad Women's Health Autosomal Recessive and X-Linked Classification Criteria (2019). Collection method: clinical testing. Allele origin: unknown.
Comment: NM_031885.3(BBS2):c.583G>T(E195*) is expected to be pathogenic in the context of Bardet-Biedl syndrome, BBS2-related. This variant is predicted to lead to an abnormal or absent protein product due to the creation of a premature termination codon in BBS2, a gene where loss-of-function variants are known to be pathogenic. Please note: this variant was assessed in the context of healthy population screening.

NM_031885.5(BBS2):c.583G>T (p.Glu195Ter)

Gene: BBS2 (Bardet-Biedl syndrome 2; minus strand). Cytogenetic location: 16q13.
Variant type: single nucleotide variant.
Coding change: c.583G>T on transcript NM_031885.5 (MANE Select); coding-DNA position 583, G replaced by T.
Protein change: p.Glu195Ter; replaces glutamic acid 195 with a stop codon.
Molecular consequence: nonsense. On other transcripts: non-coding transcript variant (5).
Genome position (GRCh38, 1-based): chr16:56,509,986, C>A on the plus strand (G>T on the coding strand, the complement: BBS2 is on the minus strand). VCF-style: chr16-56509986-C-A. GRCh37 (hg19) VCF-style: chr16-56543898-C-A.
Other names: c.583G>T, p.Glu195Ter (NM_001377456.1); short protein forms E195*.
Identifiers: ClinVar variation 984324 (VCV000984324.3), dbSNP rs1964531867, ClinGen allele CA395984022.